The following is an entry in ClinVar:

NM_004991.4(MECOM):c.3680C>A (p.Ala1227Glu)

Gene: MECOM (MDS1 and EVI1 complex locus; minus strand). Cytogenetic location: 3q26.2.
Variant type: single nucleotide variant.
Coding change: c.3680C>A on transcript NM_004991.4 (MANE Select); coding-DNA position 3680, C replaced by A.
Protein change: p.Ala1227Glu; replaces alanine 1227 with glutamic acid.
Molecular consequence: missense variant.
Genome position (GRCh38, 1-based): chr3:169,084,949, G>T on the plus strand (C>A on the coding strand, the complement: MECOM is on the minus strand). VCF-style: chr3-169084949-G-T. GRCh37 (hg19) VCF-style: chr3-168802737-G-T.
Other names: c.3311C>A, p.Ala1104Glu (NM_001105077.4); c.3116C>A, p.Ala1039Glu (NM_001105078.4, NM_001205194.2, NM_001366469.2 and 1 more transcripts); c.3092C>A, p.Ala1031Glu (NM_001163999.2, NM_001366470.2); c.3089C>A, p.Ala1030Glu (NM_001164000.2, NM_001366471.2, NM_001366472.2); c.3653C>A, p.Ala1218Glu (NM_001366466.2); c.3119C>A, p.Ala1040Glu (NM_001366467.2, NM_001366468.2); c.2681C>A, p.Ala894Glu (NM_001366473.2); c.2117C>A, p.Ala706Glu (NM_001366474.2); short protein forms A1030E, A1031E, A1039E, A1040E, A1104E, A1218E, A1227E, A706E.
Identifiers: ClinVar variation 1337672 (VCV001337672.4), dbSNP rs201825977, ClinGen allele CA355063839.

ClinVar aggregate classification (germline): Uncertain significance (1 of 4 stars; one submission).

gnomAD v4.1: 2 of 1,614,058 alleles (0.00012%); highest among the groups gnomAD compares: South Asian, 0.0011%; no homozygotes.

Submission:

Genetic Services Laboratory, University of Chicago
Classification: Uncertain significance. Last evaluated: 2020-06-10. Review status: criteria provided, single submitter. Criteria: ACMG Guidelines, 2015. Collection method: clinical testing. Allele origin: germline. Affected: no.
Comment: DNA sequence analysis of the MECOM gene demonstrated a sequence change, c.3116C>A, in exon 16 that results in an amino acid change, p.Ala1039Glu. This sequence change does not appear to have been previously described in patients with MECOM-related disorders and has also not been described in population databases (gnomAD, ExAC). The p.Ala1039Glu change affects a moderately conserved amino acid residue located in a domain of the MECOM protein that is not known to be functional. In-silico pathogenicity prediction tools (SIFT, PolyPhen2, Align GVGD, REVEL) provide contradictory results for the p.Ala1039Glu substitution. Due to these contrasting evidences and the lack of functional studies, the clinical significance of the p.Ala1039Glu change remains unknown at this time.